The following is an entry in ClinVar:

NM_004655.4(AXIN2):c.2421A>C (p.Lys807Asn)

Gene: AXIN2 (axin 2; minus strand). Cytogenetic location: 17q24.1.
Variant type: single nucleotide variant.
Coding change: c.2421A>C on transcript NM_004655.4 (MANE Select); coding-DNA position 2421, A replaced by C.
Protein change: p.Lys807Asn; replaces lysine 807 with asparagine.
Molecular consequence: missense variant.
Genome position (GRCh38, 1-based): chr17:65,530,087, T>G on the plus strand (A>C on the coding strand, the complement: AXIN2 is on the minus strand). VCF-style: chr17-65530087-T-G. GRCh37 (hg19) VCF-style: chr17-63526205-T-G.
Other names: c.2226A>C, p.Lys742Asn (NM_001363813.1); c.2421A>C (NM_004655.3); short protein forms K742N, K807N.
Identifiers: ClinVar variation 1491702 (VCV001491702.9), dbSNP rs2144391987, ClinGen allele CA400674953.

ClinVar aggregate classification (germline): Uncertain significance. Review status: criteria provided, multiple submitters, no conflicts (2 of 4 stars). 2 submissions from 2 submitters: Uncertain significance (2). Last evaluated 2025-03-28.

Conditions:
Hereditary cancer-predisposing syndrome. Also called: Tumor predisposition; Hereditary neoplastic syndrome; Neoplastic Syndromes, Hereditary; Hereditary Cancer Syndrome. Identifiers: Orphanet 140162, MedGen C0027672, MeSH D009386, MONDO:0015356.
Oligodontia-cancer predisposition syndrome. Also called: TOOTH AGENESIS-COLORECTAL CANCER SYNDROME. Identifiers: Orphanet 300576, MedGen C1837750, MONDO:0012075, OMIM 608615. Disease mechanism: loss of function.

Submissions (2):

Ambry Genetics
Classification: Uncertain significance for Hereditary cancer-predisposing syndrome. Last evaluated: 2025-03-28. Review status: criteria provided, single submitter. Criteria: Ambry Variant Classification Scheme 2023. Collection method: clinical testing. Allele origin: germline.
Comment: The p.K807N variant (also known as c.2421A>C), located in coding exon 10 of the AXIN2 gene, results from an A to C substitution at nucleotide position 2421. The lysine at codon 807 is replaced by asparagine, an amino acid with similar properties. This amino acid position is conserved. In addition, this alteration is predicted to be tolerated by in silico analysis. Based on the available evidence, the clinical significance of this variant remains unclear.

Labcorp Genetics (formerly Invitae), Labcorp
Classification: Uncertain significance for Oligodontia-cancer predisposition syndrome. Last evaluated: 2020-12-23. Review status: criteria provided, single submitter. Criteria: Invitae Variant Classification Sherloc (09022015). Collection method: clinical testing. Allele origin: germline.
Comment: This sequence change replaces lysine with asparagine at codon 807 of the AXIN2 protein (p.Lys807Asn). The lysine residue is highly conserved and there is a moderate physicochemical difference between lysine and asparagine. In summary, the available evidence is currently insufficient to determine the role of this variant in disease. Therefore, it has been classified as a Variant of Uncertain Significance. Algorithms developed to predict the effect of missense changes on protein structure and function are either unavailable or do not agree on the potential impact of this missense change (SIFT: "Deleterious"; PolyPhen-2: "Possibly Damaging"; Align-GVGD: "Class C0"). This variant has not been reported in the literature in individuals with AXIN2-related conditions. This variant is not present in population databases (ExAC no frequency).